The following is an entry in ClinVar:

ClinVar aggregate classification (germline): Uncertain significance (1 of 4 stars; one submission).

Allele frequency attached by ClinVar (database versions not stated): gnomAD exomes below 0.00001.
gnomAD v4.1: 1 of 1,614,130 alleles (0.000062%); highest among the groups gnomAD compares: Non-Finnish European, 0.000085%; no homozygotes.

Submission:

Labcorp Genetics (formerly Invitae), Labcorp
Classification: Uncertain significance. Last evaluated: 2023-03-19. Review status: criteria provided, single submitter. Criteria: Invitae Variant Classification Sherloc (09022015). Collection method: clinical testing. Allele origin: germline.
Comment: This variant has not been reported in the literature in individuals affected with SMARCA2-related conditions. This variant is not present in population databases (gnomAD no frequency). This sequence change affects codon 1412 of the SMARCA2 mRNA. It is a 'silent' change, meaning that it does not change the encoded amino acid sequence of the SMARCA2 protein. Algorithms developed to predict the effect of sequence changes on RNA splicing suggest that this variant may create or strengthen a splice site. In summary, the available evidence is currently insufficient to determine the role of this variant in disease. Therefore, it has been classified as a Variant of Uncertain Significance.

NM_003070.5(SMARCA2):c.4234T>C (p.Leu1412=)

Gene: SMARCA2 (SWI/SNF related BAF chromatin remodeling complex subunit ATPase 2; plus strand). Cytogenetic location: 9p24.3.
Variant type: single nucleotide variant.
Coding change: c.4234T>C on transcript NM_003070.5 (MANE Select); coding-DNA position 4234, T replaced by C.
Protein change: p.Leu1412=; no amino-acid change (leucine 1412 retained).
Molecular consequence: synonymous variant. On other transcripts: intron variant (5).
Genome position (GRCh38, 1-based): chr9:2,170,453, T>C. VCF-style: chr9-2170453-T-C. GRCh37 (hg19) VCF-style: chr9-2170453-T-C.
Other names: c.4234T>C, p.Leu1412= (NM_001289396.2); c.4199+8550T>C (NM_139045.4); c.4025+8550T>C (NM_001289397.2); c.227+8550T>C (NM_001289398.2); c.317+8550T>C (NM_001289400.2); c.311+8550T>C (NM_001289399.2).
Identifiers: ClinVar variation 2788321 (VCV002788321.3), dbSNP rs1826187893, ClinGen allele CA463710889.